The following is an entry in ClinVar:

ClinVar aggregate classification (germline): Pathogenic. Review status: criteria provided, multiple submitters, no conflicts (2 of 4 stars). 2 submissions from 2 submitters: Pathogenic (2). Last evaluated 2022-03-30.

Conditions:
Hereditary cancer-predisposing syndrome. Also called: Hereditary neoplastic syndrome; Neoplastic Syndromes, Hereditary; Tumor predisposition; Hereditary Cancer Syndrome. Identifiers: Orphanet 140162, MedGen C0027672, MeSH D009386, MONDO:0015356.

Submissions (2):

Ambry Genetics
Classification: Pathogenic for Hereditary cancer-predisposing syndrome. Last evaluated: 2022-03-30. Review status: criteria provided, single submitter. Criteria: Ambry Variant Classification Scheme 2023. Collection method: clinical testing. Allele origin: germline.
Comment: The c.295_301delTTGAAGC pathogenic mutation, located in coding exon 3 of the FH gene, results from a deletion of 7 nucleotides at nucleotide positions 295 to 301, causing a translational frameshift with a predicted alternate stop codon (p.L99Efs*6). This mutation was detected in three individuals from the same family who had uterine fibroids and/or cutaneous leiomyomas (Wheeler KC et al. Fertil Steril, 2016 Jan;105:144-8). This variant is considered to be rare based on population cohorts in the Genome Aggregation Database (gnomAD). In addition to the clinical data presented in the literature, this alteration is expected to result in loss of function by premature protein truncation or nonsense-mediated mRNA decay. As such, this alteration is interpreted as a disease-causing mutation.

GeneDx
Classification: Pathogenic. Last evaluated: 2014-11-14. Review status: criteria provided, single submitter. Criteria: GeneDx Variant Classification (06012015). Collection method: clinical testing. Allele origin: germline. Affected: yes.
Comment: The c.295_301delTTGAAGC mutation in the FH gene causes a frameshift starting with codon Leucine 99, changes this amino acid to a Glutamic acid residue and creates a premature Stop codon at position 6 of the new reading frame, denoted p.Leu99GlufsX6. The normal sequence with the bases that are deleted in braces is: CATC{TTGAAGC}GAGC. This mutation is predicted to cause loss of normal protein function either through protein truncation or nonsense-mediated mRNA decay. Although this mutation has not been previously reported to our knowledge, its presence is consistent with a diagnosis of hereditary leiomyomatosis and renal cell cancer. The variant is found in FH panel(s).

Literature cited by the submitters: PubMed 26493120 (cited by Ambry Genetics).

NM_000143.4(FH):c.295_301del (p.Leu99fs)

Gene: FH (fumarate hydratase; minus strand). Cytogenetic location: 1q43.
Variant type: Deletion.
Coding change: c.295_301del on transcript NM_000143.4 (MANE Select); coding-DNA positions 295 to 301, 7 bases deleted (TTGAAGC; older notation c.295_301delTTGAAGC).
Protein change: p.Leu99fs; shifts the reading frame from leucine 99.
Molecular consequence: frameshift variant.
Genome position (GRCh38, 1-based): chr1:241,513,680-241,513,686, GCTTCAA deleted on the plus strand (TTGAAGC on the coding strand, the reverse complement: FH is on the minus strand); deleting any 7 consecutive bases within chr1:241,513,680-241,513,687 gives the same sequence; the c. name uses the placement nearest the transcript's 3' end. VCF-style (leftmost placement, unchanged base first): chr1-241513679-CGCTTCAA-C. GRCh37 (hg19) VCF-style: chr1-241676979-CGCTTCAA-C.
Other names: c.295_301delTTGAAGC (NM_000143.3); short protein forms L99fs.
Identifiers: ClinVar variation 214435 (VCV000214435.4), dbSNP rs863224017, ClinGen allele CA324132.